The following is an entry in ClinVar:

NM_001198800.3(ASCC1):c.71A>G (p.Gln24Arg)

Gene: ASCC1 (activating signal cointegrator 1 complex subunit 1; minus strand). Cytogenetic location: 10q22.1.
Variant type: single nucleotide variant.
Coding change: c.71A>G on transcript NM_001198800.3 (MANE Select); coding-DNA position 71, A replaced by G.
Protein change: p.Gln24Arg; replaces glutamine 24 with arginine.
Molecular consequence: missense variant. On other transcripts: 5 prime UTR variant (5), non-coding transcript variant (1).
Genome position (GRCh38, 1-based): chr10:72,213,228, T>C on the plus strand (A>G on the coding strand, the complement: ASCC1 is on the minus strand). VCF-style: chr10-72213228-T-C. GRCh37 (hg19) VCF-style: chr10-73972986-T-C.
Other names: c.71A>G, p.Gln24Arg (NM_001198798.2, NM_001198799.3, NM_001369087.1 and 19 more transcripts); c.137A>G, p.Gln46Arg (NM_001369085.1, NM_001369086.1, NM_001369099.1); c.-145A>G (NM_001369101.1, NM_001369102.1, NM_001369105.1 and 2 more transcripts); c.71A>G (NM_001198800.1); short protein forms Q46R, Q24R.
Identifiers: ClinVar variation 1437457 (VCV001437457.7), dbSNP rs775574479, ClinGen allele CA5549172.

ClinVar aggregate classification (germline): Uncertain significance. Review status: criteria provided, multiple submitters, no conflicts (2 of 4 stars). 2 submissions from 2 submitters: Uncertain significance (2). Last evaluated 2024-10-16.

Conditions:
Inborn genetic diseases. Identifiers: MedGen C0950123, MeSH D030342.

Allele frequency attached by ClinVar (database versions not stated): gnomAD 0.00001; gnomAD exomes 0.00001 and 0.00002; ExAC 0.00002; TOPMed 0.00003.

Submissions (2):

Labcorp Genetics (formerly Invitae), Labcorp
Classification: Uncertain significance. Last evaluated: 2024-10-16. Review status: criteria provided, single submitter. Criteria: Invitae Variant Classification Sherloc (09022015). Collection method: clinical testing. Allele origin: germline.
Comment: This sequence change replaces glutamine, which is neutral and polar, with arginine, which is basic and polar, at codon 24 of the ASCC1 protein (p.Gln24Arg). This variant is present in population databases (rs775574479, gnomAD 0.03%). This variant has not been reported in the literature in individuals affected with ASCC1-related conditions. ClinVar contains an entry for this variant (Variation ID: 1437457). An algorithm developed to predict the effect of missense changes on protein structure and function (PolyPhen-2) suggests that this variant is likely to be tolerated. In summary, the available evidence is currently insufficient to determine the role of this variant in disease. Therefore, it has been classified as a Variant of Uncertain Significance.

Ambry Genetics
Classification: Uncertain significance for Inborn genetic diseases. Last evaluated: 2023-11-18. Review status: criteria provided, single submitter. Criteria: Ambry Variant Classification Scheme 2023. Collection method: clinical testing. Allele origin: germline.